The following is an entry in ClinVar:

ClinVar aggregate classification (germline): Conflicting classifications of pathogenicity. Review status: criteria provided, conflicting classifications (1 of 4 stars). 2 submissions from 2 submitters: Likely pathogenic (1); Uncertain significance (1). Last evaluated 2025-04-09.

Conditions:
Cardiovascular phenotype. Identifiers: MedGen CN230736.
Dilated cardiomyopathy 1Z (CMD1Z). Identifiers: Orphanet 154, MedGen C2678475, MONDO:0012745, OMIM 611879.

Submissions (2):

Molecular Diagnostic Laboratory for Inherited Cardiovascular Disease, Montreal Heart Institute
Classification: Uncertain significance for Cardiovascular phenotype. Last evaluated: 2025-04-09. Review status: criteria provided, single submitter. Criteria: ACMG Guidelines, 2015. Collection method: clinical testing. Allele origin: germline. Affected: yes.

The Genetics Institute, Rambam Health Care Campus
Classification: Likely pathogenic for Dilated cardiomyopathy 1Z. Last evaluated: 2024-01-31. Review status: criteria provided, single submitter. Criteria: ACMG Guidelines, 2015. Collection method: clinical testing. Allele origin: germline. Inheritance: Autosomal dominant inheritance. Affected: yes. Observed: 6 variant alleles, 6 heterozygotes.
Comment: PM2, PS4 Identified in 6 individuals with DCM from 3 unrelated families, PM1_supporting in EF-Hand domain with a few LP missense reported in proximity, PP3_supporting REVEL 0.69

NM_003280.3(TNNC1):c.135G>A (p.Met45Ile)

Gene: TNNC1 (troponin C1, slow skeletal and cardiac type; minus strand). Cytogenetic location: 3p21.1.
Variant type: single nucleotide variant.
Coding change: c.135G>A on transcript NM_003280.3 (MANE Select); coding-DNA position 135, G replaced by A.
Protein change: p.Met45Ile; replaces methionine 45 with isoleucine.
Molecular consequence: missense variant.
Genome position (GRCh38, 1-based): chr3:52,452,173, C>T on the plus strand (G>A on the coding strand, the complement: TNNC1 is on the minus strand). VCF-style: chr3-52452173-C-T. GRCh37 (hg19) VCF-style: chr3-52486189-C-T.
Other names: short protein forms M45I.
Identifiers: ClinVar variation 2691717 (VCV002691717.3), dbSNP rs2471444636, ClinGen allele CA353168797.
Genomic context (GRCh38, chr3:52,452,173, plus strand): 5'-GTCCACCTCATCGATCATCTCCTGCAGCTCCTCAGGGGTGGGGTTCTGGCCCAGCATCCT[C>T]ATCACCTTGCCCAGCTCCTTGGTGCTGATGCAGCCATCCTCAGCGCCCAGCACGAAGATG-3'
Protein context (NP_003271.1, residues 35-55): CISTKELGKV[Met45Ile]RMLGQNPTPE